The following is an entry in ClinVar:

NM_001692.4(ATP6V1B1):c.123C>G (p.Tyr41Ter)

Genes: ATP6V1B1 (ATPase H+ transporting V1 subunit B1; plus strand), ATP6V1B1-AS1 (ATP6V1B1 antisense RNA 1; minus strand). Cytogenetic location: 2p13.3.
Variant type: single nucleotide variant.
Coding change: c.123C>G on transcript NM_001692.4 (MANE Select); coding-DNA position 123, C replaced by G.
Protein change: p.Tyr41Ter; replaces tyrosine 41 with a stop codon.
Molecular consequence: nonsense.
Genome position (GRCh38, 1-based): chr2:70,943,662, C>G. VCF-style: chr2-70943662-C-G. GRCh37 (hg19) VCF-style: chr2-71170792-C-G.
Other names: short protein forms Y41*.
Identifiers: ClinVar variation 1452175 (VCV001452175.8), dbSNP rs782151715, ClinGen allele CA347178458.

ClinVar aggregate classification (germline): Pathogenic/Likely pathogenic. Review status: criteria provided, multiple submitters, no conflicts (2 of 4 stars). 3 submissions from 3 submitters: Pathogenic (2); Likely pathogenic (1). Last evaluated 2024-04-02.

Conditions:
Renal tubular acidosis with progressive nerve deafness. Also called: RENAL TUBULAR ACIDOSIS, AUTOSOMAL RECESSIVE, WITH PROGRESSIVE NERVE DEAFNESS; RTA WITH PROGRESSIVE NERVE DEAFNESS; Distal Renal Tubular Acidosis with Progressive Sensorineural Deafness; renal tubular acidosis, distal, 2, with progressive sensorineural hearing loss. Identifiers: MedGen C0403554, MONDO:0009968, OMIM 267300.

gnomAD v4.1: 1 of 1,613,902 alleles (0.000062%); highest among the groups gnomAD compares: South Asian, 0.0011%; no homozygotes.

Submissions (3):

Fulgent Genetics
Classification: Likely pathogenic for Renal tubular acidosis with progressive nerve deafness. Last evaluated: 2024-04-02. Review status: criteria provided, single submitter. Criteria: ACMG Guidelines, 2015. Collection method: clinical testing. Allele origin: germline.

Myriad Genetics, Inc.
Classification: Pathogenic for Renal tubular acidosis with progressive nerve deafness. Last evaluated: 2023-10-26. Review status: criteria provided, single submitter. Criteria: Myriad Autosomal Dominant, Autosomal Recessive and X-Linked Classification Criteria (2023). Collection method: clinical testing. Allele origin: unknown.
Comment: NM_001692.3(ATP6V1B1):c.123C>G(Y41*) is expected to be pathogenic in the context of distal renal tubular acidosis with deafness, ATP6V1B1-related. This variant is predicted to lead to an abnormal or absent protein product due to the creation of a premature termination codon in ATP6V1B1, a gene where loss-of-function variants are known to be pathogenic. Please note: this variant was assessed in the context of healthy population screening.

Labcorp Genetics (formerly Invitae), Labcorp
Classification: Pathogenic. Last evaluated: 2023-05-13. Review status: criteria provided, single submitter. Criteria: Invitae Variant Classification Sherloc (09022015). Collection method: clinical testing. Allele origin: germline.
Comment: For these reasons, this variant has been classified as Pathogenic. Algorithms developed to predict the effect of sequence changes on RNA splicing suggest that this variant may disrupt the consensus splice site. ClinVar contains an entry for this variant (Variation ID: 1452175). This variant has not been reported in the literature in individuals affected with ATP6V1B1-related conditions. This variant is present in population databases (no rsID available, gnomAD 0.003%). This sequence change creates a premature translational stop signal (p.Tyr41*) in the ATP6V1B1 gene. It is expected to result in an absent or disrupted protein product. Loss-of-function variants in ATP6V1B1 are known to be pathogenic (PMID: 9916796, 18368028).

Literature cited by the submitters: PubMed 9916796 (cited by Labcorp Genetics (formerly Invitae), Labcorp); PubMed 18368028 (cited by Labcorp Genetics (formerly Invitae), Labcorp).